The following is an entry in ClinVar:

NM_001385641.1(SAMD11):c.2449C>G (p.Leu817Val)

Gene: SAMD11 (sterile alpha motif domain containing 11; plus strand). Cytogenetic location: 1p36.33.
Variant type: single nucleotide variant.
Coding change: c.2449C>G on transcript NM_001385641.1 (MANE Select); coding-DNA position 2449, C replaced by G.
Protein change: p.Leu817Val; replaces leucine 817 with valine.
Molecular consequence: missense variant.
Genome position (GRCh38, 1-based): chr1:944,067, C>G. VCF-style: chr1-944067-C-G. GRCh37 (hg19) VCF-style: chr1-879447-C-G.
Other names: c.2452C>G, p.Leu818Val (NM_001385640.1); c.1960C>G, p.Leu654Val (NM_152486.4); short protein forms L654V, L817V, L818V.
Identifiers: ClinVar variation 1480513 (VCV001480513.8), dbSNP rs1289885731, ClinGen allele CA337819433.

ClinVar aggregate classification (germline): Uncertain significance (1 of 4 stars; one submission).

Submission:

Labcorp Genetics (formerly Invitae), Labcorp
Classification: Uncertain significance. Last evaluated: 2022-08-23. Review status: criteria provided, single submitter. Criteria: Invitae Variant Classification Sherloc (09022015). Collection method: clinical testing. Allele origin: germline.
Comment: In summary, the available evidence is currently insufficient to determine the role of this variant in disease. Therefore, it has been classified as a Variant of Uncertain Significance. This sequence change replaces leucine, which is neutral and non-polar, with valine, which is neutral and non-polar, at codon 654 of the SAMD11 protein (p.Leu654Val). Algorithms developed to predict the effect of missense changes on protein structure and function (SIFT, PolyPhen-2, Align-GVGD) all suggest that this variant is likely to be tolerated. ClinVar contains an entry for this variant (Variation ID: 1480513). This variant has not been reported in the literature in individuals affected with SAMD11-related conditions. This variant is not present in population databases (gnomAD no frequency).